The following is an entry in ClinVar:

ClinVar aggregate classification (germline): Uncertain significance (1 of 4 stars; one submission).

Submission:

Labcorp Genetics (formerly Invitae), Labcorp
Classification: Uncertain significance. Last evaluated: 2022-06-27. Review status: criteria provided, single submitter. Criteria: Invitae Variant Classification Sherloc (09022015). Collection method: clinical testing. Allele origin: germline.
Comment: In summary, the available evidence is currently insufficient to determine the role of this variant in disease. Therefore, it has been classified as a Variant of Uncertain Significance. Algorithms developed to predict the effect of missense changes on protein structure and function are either unavailable or do not agree on the potential impact of this missense change (SIFT: "Not Available"; PolyPhen-2: "Probably Damaging"; Align-GVGD: "Not Available"). This variant has not been reported in the literature in individuals affected with CDH3-related conditions. This variant is not present in population databases (gnomAD no frequency). This sequence change replaces serine, which is neutral and polar, with cysteine, which is neutral and slightly polar, at codon 794 of the CDH3 protein (p.Ser794Cys).

NM_001793.6(CDH3):c.2381C>G (p.Ser794Cys)

Gene: CDH3 (cadherin 3; plus strand). Cytogenetic location: 16q22.1.
Variant type: single nucleotide variant.
Coding change: c.2381C>G on transcript NM_001793.6 (MANE Select); coding-DNA position 2381, C replaced by G.
Protein change: p.Ser794Cys; replaces serine 794 with cysteine.
Molecular consequence: missense variant. On other transcripts: 3 prime UTR variant (1).
Genome position (GRCh38, 1-based): chr16:68,698,291, C>G. VCF-style: chr16-68698291-C-G. GRCh37 (hg19) VCF-style: chr16-68732194-C-G.
Other names: c.*124C>G (NM_001317195.3); c.2216C>G, p.Ser739Cys (NM_001317196.2); short protein forms S739C, S794C.
Identifiers: ClinVar variation 1374205 (VCV001374205.8), dbSNP rs1169432710, ClinGen allele CA396456826.